The following is an entry in ClinVar:

NM_002336.3(LRP6):c.2834A>G (p.Asn945Ser)

Gene: LRP6 (LDL receptor related protein 6; minus strand). Cytogenetic location: 12p13.2.
Variant type: single nucleotide variant.
Coding change: c.2834A>G on transcript NM_002336.3 (MANE Select); coding-DNA position 2834, A replaced by G.
Protein change: p.Asn945Ser; replaces asparagine 945 with serine.
Molecular consequence: missense variant. On other transcripts: non-coding transcript variant (1).
Genome position (GRCh38, 1-based): chr12:12,150,996, T>C on the plus strand (A>G on the coding strand, the complement: LRP6 is on the minus strand). VCF-style: chr12-12150996-T-C. GRCh37 (hg19) VCF-style: chr12-12303930-T-C.
Other names: c.2834A>G, p.Asn945Ser (NM_001414244.1, NM_001414245.1, NM_001414246.1 and 4 more transcripts); c.2636A>G, p.Asn879Ser (NM_001414247.1); c.2381A>G, p.Asn794Ser (NM_001414252.1, NM_001414253.1, NM_001414254.1); c.2327A>G, p.Asn776Ser (NM_001414255.1); short protein forms N776S, N794S, N879S, N945S.
Identifiers: ClinVar variation 3607457 (VCV003607457.2).
Genomic context (GRCh38, chr12:12,150,996, plus strand): 5'-CGAAGGCTGTGGATGGGAAGGATGATGTCGGGGCTCTGTTGTTCATCAATCACCATGCGG[T>C]TGATGGCACTCTTTTGACTGAAGAGCAGGAAAGTCGTAGGAGCTTAAAAGGAAGAAAAGA-3'
Protein context (NP_002327.2, residues 935-955): FLLFSQKSAI[Asn945Ser]RMVIDEQQSP

ClinVar aggregate classification (germline): Uncertain significance (1 of 4 stars; one submission).

gnomAD v4.1: 20 of 1,614,030 alleles (0.0012%); highest among the groups gnomAD compares: East Asian, 0.0022%; no homozygotes.

Submission:

Labcorp Genetics (formerly Invitae), Labcorp
Classification: Uncertain significance. Last evaluated: 2025-02-09. Review status: criteria provided, single submitter. Criteria: Invitae Variant Classification Sherloc (09022015). Collection method: clinical testing. Allele origin: germline.
Comment: This sequence change replaces asparagine, which is neutral and polar, with serine, which is neutral and polar, at codon 945 of the LRP6 protein (p.Asn945Ser). This variant is present in population databases (rs749281777, gnomAD 0.005%). This variant has not been reported in the literature in individuals affected with LRP6-related conditions. An algorithm developed to predict the effect of missense changes on protein structure and function (PolyPhen-2) suggests that this variant is likely to be tolerated. In summary, the available evidence is currently insufficient to determine the role of this variant in disease. Therefore, it has been classified as a Variant of Uncertain Significance.